The following continues an entry in ClinVar:

NM_001126108.2(SLC12A3):c.1925G>A (p.Arg642His)

Gene: SLC12A3. ClinVar aggregate classification (germline): Pathogenic. Pathogenic (14).

Submissions 13 to 14 of 14:

Illumina Laboratory Services, Illumina
Classification: Pathogenic for Familial hypokalemia-hypomagnesemia. Last evaluated: 2017-04-27. Review status: criteria provided, single submitter. Criteria: ICSL Variant Classification Criteria 09 May 2019. Collection method: clinical testing. Allele origin: germline.
Comment: Across a selection of the available literature, the SLC12A3 c.1925G>A (p.Arg642His) missense variant has been identified in a homozygous state in three patients with Gitelman syndrome from two families, in a compound heterozygous state in eight patients, and in a heterozygous state in at least one patient (Lemmink et al. 1998; CalÃ² et al. 2001; Syren et al. 2002; Colussi et al. 2007; Riveira-Munoz et al. 2007; Ji et al. 2008; Coto et al. 2009; Balavoine et al. 2011; Vigano et al. 2013; Davis et al. 2013; Makino et al. 2014). The variant has also been reported in a heterozygous state in at least three unaffected family members (Coto et al. 2009; Makino et al. 2014). The variant was absent from 3150 control individuals, 3125 of whom were participants in the Framingham Heart Study (Lemmink et al. 1998; Ji et al. 2008), and is reported at a frequency of 0.00012 in the European American population of the Exome Sequencing Project. This frequency is based on one allele only, in a region of poor sequencing coverage. The p.Arg642His variant is located in a conserved residue in an apparent mutation hotspot where two other missense variants have also been identified resulting in substitution of the Arg642 residue. Analysis of cDNA performed by two independent groups demonstrated that the variant caused aberrant splicing, producing a correctly spliced transcript and a second transcript containing an inserted intronic sequence which resulted in a frameshift, present at 32% of the normal transcript (Riveira-Munoz et al. 2007; Coto et al. 2009). Based on the collective evidence, the p.Arg643His variant is classified as pathogenic for Gitelman syndrome. This variant was observed by ICSL as part of a predisposition screen in an ostensibly healthy population.

Juno Genomics, Hangzhou Juno Genomics, Inc
Classification: Pathogenic for Familial hypokalemia-hypomagnesemia. Review status: criteria provided, single submitter. Criteria: ACMG Guidelines, 2015. Collection method: clinical testing. Allele origin: germline. Affected: yes.
Comment: Absent from controls (or at extremely low frequency if recessive) in Genome Aggregation Database, Exome Sequencing Project, 1000 Genomes Project, or Exome Aggregation Consortium.;Multiple lines of computational evidence support a deleterious effect on the gene or gene product (conservation, evolutionary, splicing impact, etc).;For recessive disorders, detected in trans with a pathogenic variant.;Patient's phenotype or family history is highly specific for a disease with a single genetic etiology.

Literature cited by the submitters: PubMed 30413979 (cited by 3 submitters); PubMed 9734597 (cited by 4 submitters); PubMed 36597580 (cited by Women's Health and Genetics/Laboratory Corporation of America, LabCorp); PubMed 25140267 (cited by 3 submitters); PubMed 17699451 (cited by 3 submitters); PubMed 17576681 (cited by Labcorp Genetics (formerly Invitae), Labcorp); PubMed 9536098 (cited by Labcorp Genetics (formerly Invitae), Labcorp); PubMed 17329572 (cited by 4 submitters); PubMed 19420906 (cited by 3 submitters); PubMed 32542819 (cited by Natera, Inc.); PubMed 17261437 (cited by Natera, Inc.); PubMed 25815233 (cited by Athena Diagnostics); PubMed 21654754 (cited by Athena Diagnostics); PubMed 12112667 (cited by Athena Diagnostics and Illumina Laboratory Services, Illumina); PubMed 25422309 (cited by Athena Diagnostics); PubMed 31398183 (cited by Athena Diagnostics); PubMed 25990047 (cited by Athena Diagnostics); PubMed 21753071 (cited by Athena Diagnostics and Illumina Laboratory Services, Illumina); PubMed 26221292 (cited by Athena Diagnostics); PubMed 18344243 (cited by Athena Diagnostics); PubMed 30136149 (cited by Athena Diagnostics); PubMed 11532083 (cited by Athena Diagnostics and Illumina Laboratory Services, Illumina); PubMed 29925901 (cited by Athena Diagnostics); PubMed 22990302 (cited by Athena Diagnostics and Illumina Laboratory Services, Illumina); PubMed 23698802 (cited by Athena Diagnostics and Illumina Laboratory Services, Illumina); PubMed 18391953 (cited by Athena Diagnostics and Illumina Laboratory Services, Illumina).